The following is an entry in ClinVar:

NM_000091.5(COL4A3):c.4825C>T (p.Arg1609Ter)

Genes: COL4A3 (collagen type IV alpha 3 chain; plus strand), MFF-DT (MFF divergent transcript; minus strand). Cytogenetic location: 2q36.3.
Variant type: single nucleotide variant.
Coding change: c.4825C>T on transcript NM_000091.5 (MANE Select); coding-DNA position 4825, C replaced by T.
Protein change: p.Arg1609Ter; replaces arginine 1609 with a stop codon.
Molecular consequence: nonsense.
Genome position (GRCh38, 1-based): chr2:227,310,845, C>T. VCF-style: chr2-227310845-C-T. GRCh37 (hg19) VCF-style: chr2-228175561-C-T.
Other names: short protein forms R1609*.
Identifiers: ClinVar variation 447174 (VCV000447174.19), dbSNP rs756231749, ClinGen allele CA2147662.

ClinVar aggregate classification (germline): Pathogenic. Review status: criteria provided, multiple submitters, no conflicts (2 of 4 stars). 9 submissions from 9 submitters: Pathogenic (8). 1 of the submissions does not count toward it. Last evaluated 2026-07-01.

Conditions:
COL4A3-related disorder. Also called: COL4A3-Related Disorders; COL4A3-related condition.
Autosomal dominant Alport syndrome (ATS3A). Also called: Alport syndrome dominant type; Renal failure and sensorineural hearing loss; ALPORT SYNDROME 3A, AUTOSOMAL DOMINANT. Identifiers: Orphanet 63, Orphanet 88918, MedGen C5882663, MONDO:0007086, OMIM 104200.
Autosomal recessive Alport syndrome (ATS2). Also called: COL4A4 Alport Syndrome and Thin Basement Membrane Nephropathy; Alport syndrome type 2; COL4A3-Related Nephropathy; ALPORT SYNDROME 2, AUTOSOMAL RECESSIVE. Identifiers: Orphanet 63, Orphanet 88919, MedGen C4746745, MONDO:0008762, OMIM 203780.
Benign familial hematuria. Also called: thin basement membrane disease. Identifiers: MedGen C0241908, MONDO:0957317.
Alport syndrome. Also called: Hemorrhagic familial nephritis; Hemorrhagic hereditary nephritis; Congenital hereditary hematuria. Identifiers: Orphanet 63, MedGen C1567741, MONDO:0018965.
Hematuria. Identifiers: MedGen C0018965, HP:0000790.

Allele frequency attached by ClinVar (database versions not stated): TOPMed 0.00002; gnomAD 0.00003.
gnomAD v4.1: 11 of 1,614,012 alleles (0.00068%); highest among the groups gnomAD compares: Admixed American, 0.005%; no homozygotes.

Submissions (9):

Genetics Laboratory, Great Ormond Street Hospital NHS Foundation Trust, North Thames Genomic Laboratory Hub
Classification: Pathogenic for Haematuria. Last evaluated: 2026-07-01. Review status: criteria provided, single submitter. Criteria: ACGS Best Practice Guidelines for Variant Classification in Rare Disease 2024 v1.2. Collection method: clinical testing. Allele origin: germline. Affected: yes.
Comment: PM2_moderate, PVS1_very-strong, PM3_supporting, PP4_supporting

PreventionGenetics, part of Exact Sciences
Classification: Pathogenic for COL4A3-related condition. Last evaluated: 2026-03-31. Review status: criteria provided, single submitter. Criteria: ACMG Guidelines, 2015. Collection method: clinical testing. Allele origin: germline.
Comment: The COL4A3 c.4825C>T variant is predicted to result in premature protein termination (p.Arg1609*). This variant has been reported in the homozygous state or in the presence of a second pathogenic COL4A3 variant in individuals with Alport syndrome spectrum disorders (Supplementary Table 9, Warejko et al. 2018. PubMed ID: 29127259; Zhang et al. 2021. PubMed ID: 33772369; Lujinschi et al. 2024. PubMed ID: 38790222). This variant is reported in 0.0097% of alleles in individuals of Ashkenazi Jewish descent in gnomAD. Nonsense variants in COL4A3 are expected to be pathogenic for autosomal dominant and recessive COL4A3-related Alport syndrome spectrum disorders (see for example, Gao et al. 2023. PubMed ID: 36685964; Longo et al. 2002. PubMed ID: 12028435; Lujinschi et al. 2024. PubMed ID: 38790222). This variant is interpreted as pathogenic for both autosomal dominant and recessive COL4A3-related Alport syndrome spectrum disorders.

Natera, Inc.
Classification: Pathogenic for Alport syndrome. Last evaluated: 2026-01-22. Review status: criteria provided, single submitter. Criteria: Natera Variant Classification Schema (03/2026). Collection method: clinical testing. Allele origin: germline.
Comment: The c.4825C>T variant in COL4A3 is a nonsense variant predicted to introduce a stop codon at amino acid 1609. This variant is expected to result in nonsense mediated decay, truncation, or a dysfunctional protein product. This variant is rare in the general population with a frequency below the threshold expected for the associated phenotype(s). This variant has been observed in one or more individuals affected with the associated recessive disease, as either homozygous or compound heterozygous with a second variant (PMID: 33772369). Given the available evidence, this variant is classified as Pathogenic.

GeneDx
Classification: Pathogenic. Last evaluated: 2024-12-18. Review status: criteria provided, single submitter. Criteria: GeneDx Variant Classification Process June 2021. Collection method: clinical testing. Allele origin: germline. Affected: yes.
Comment: Identified as heterozygous in siblings with a clinical diagnosis of steroid-resistant nephrotic syndrome and abnormal kidney biopsies in published literature (PMID: 29127259); Nonsense variant predicted to result in protein truncation or nonsense mediated decay in a gene for which loss of function is a known mechanism of disease; This variant is associated with the following publications: (PMID: 31589614, 38790222, 29127259, Chen.etal[abstract], 33772369)

Labcorp Genetics (formerly Invitae), Labcorp
Classification: Pathogenic. Last evaluated: 2024-05-13. Review status: criteria provided, single submitter. Criteria: Invitae Variant Classification Sherloc (09022015). Collection method: clinical testing. Allele origin: germline.
Comment: This sequence change creates a premature translational stop signal (p.Arg1609*) in the COL4A3 gene. It is expected to result in an absent or disrupted protein product. Loss-of-function variants in COL4A3 are known to be pathogenic (PMID: 8956999, 24854265, 26809805, 27281700). This variant is present in population databases (rs756231749, gnomAD 0.01%). This premature translational stop signal has been observed in individual(s) with steroid resistant nephrotic syndrome (PMID: 29127259). ClinVar contains an entry for this variant (Variation ID: 447174). Algorithms developed to predict the effect of sequence changes on RNA splicing suggest that this variant may disrupt the consensus splice site. For these reasons, this variant has been classified as Pathogenic.

Institute of Human Genetics Munich, TUM University Hospital
Classification: Pathogenic for Autosomal dominant Alport syndrome. Last evaluated: 2022-07-08. Review status: criteria provided, single submitter. Criteria: Classification criteria August 2017. Collection method: clinical testing. Allele origin: paternal. Inheritance: Autosomal dominant inheritance. Affected: yes. Observed: 1 variant allele.

Fulgent Genetics
Classification: Pathogenic for Autosomal dominant Alport syndrome; Hematuria, benign familial, 1; Autosomal recessive Alport syndrome. Last evaluated: 2022-05-25. Review status: criteria provided, single submitter. Criteria: ACMG Guidelines, 2015. Collection method: clinical testing. Allele origin: unknown.

Athena Diagnostics
Classification: Pathogenic. Last evaluated: 2016-08-19. Review status: criteria provided, single submitter. Criteria: Athena Diagnostics Criteria. Collection method: clinical testing. Allele origin: germline.

Counsyl
Classification: Likely pathogenic for Autosomal recessive Alport syndrome. Last evaluated: 2017-08-16. Review status: no assertion criteria provided. Collection method: clinical testing. Allele origin: unknown. Not counted in ClinVar's aggregate classification.

Literature cited by the submitters: PubMed 33772369 (cited by Natera, Inc.); PubMed 8956999 (cited by Labcorp Genetics (formerly Invitae), Labcorp); PubMed 24854265 (cited by Labcorp Genetics (formerly Invitae), Labcorp); PubMed 26809805 (cited by Labcorp Genetics (formerly Invitae), Labcorp); PubMed 27281700 (cited by Labcorp Genetics (formerly Invitae), Labcorp); PubMed 29127259 (cited by Labcorp Genetics (formerly Invitae), Labcorp).